The following is an entry in ClinVar:

ClinVar aggregate classification (germline): Pathogenic (1 of 4 stars; one submission).

Conditions:
Dilated cardiomyopathy 1G (CMD1G). Identifiers: Orphanet 154, MedGen C1858763, MONDO:0011400, OMIM 604145.

Submission:

Imagene.me medical diagnostic laboratory, IMAGENE.ME SA
Classification: Pathogenic for Dilated cardiomyopathy 1G. Review status: criteria provided, single submitter. Criteria: IMAGENE.ME Variant Classification SOP 2022. Collection method: clinical testing. Allele origin: germline.
Comment: Classified according to the IMAGENE.ME variant classification SOP based on the ACMG guidelines as Pathogenic (P): PVS1 + PM2

NM_001267550.2(TTN):c.48546del (p.Asp16182fs)

Genes: TTN-AS1 (TTN antisense RNA 1; plus strand), TTN (titin; minus strand). Cytogenetic location: 2q31.2.
Variant type: Deletion.
Coding change: c.48546del on transcript NM_001267550.2 (MANE Select); coding-DNA position 48546, one base deleted (T; older notation c.48546delT).
Protein change: p.Asp16182fs; shifts the reading frame from aspartic acid 16182.
Molecular consequence: frameshift variant.
Genome position (GRCh38, 1-based): chr2:178,615,399, A deleted on the plus strand (T on the coding strand, the reverse complement: TTN is on the minus strand). VCF-style (leftmost placement, unchanged base first): chr2-178615398-CA-C. GRCh37 (hg19) VCF-style: chr2-179480125-CA-C.
Other names: c.43623del, p.Asp14541fs (NM_001256850.1); c.21351del, p.Asp7117fs (NM_003319.4); c.40842del, p.Asp13614fs (NM_133378.4); c.21726del, p.Asp7242fs (NM_133432.3); c.21927del, p.Asp7309fs (NM_133437.4); short protein forms D13614fs, D14541fs, D16182fs, D7117fs, D7242fs, D7309fs.
Identifiers: ClinVar variation 4685501 (VCV004685501.1).